The following is an entry in ClinVar:

NM_000051.4(ATM):c.2960G>A (p.Cys987Tyr)

Gene: ATM (ATM serine/threonine kinase; plus strand). Cytogenetic location: 11q22.3.
Variant type: single nucleotide variant.
Coding change: c.2960G>A on transcript NM_000051.4 (MANE Select); coding-DNA position 2960, G replaced by A.
Protein change: p.Cys987Tyr; replaces cysteine 987 with tyrosine.
Molecular consequence: missense variant.
Genome position (GRCh38, 1-based): chr11:108,271,289, G>A. VCF-style: chr11-108271289-G-A. GRCh37 (hg19) VCF-style: chr11-108142016-G-A.
Other names: c.2960G>A, p.Cys987Tyr (NM_001351834.2); short protein forms C987Y.
Identifiers: ClinVar variation 524310 (VCV000524310.15), dbSNP rs1555085052, ClinGen allele CA382547220.

ClinVar aggregate classification (germline): Uncertain significance. Review status: criteria provided, multiple submitters, no conflicts (2 of 4 stars). 6 submissions from 6 submitters: Uncertain significance (5). 1 of the submissions does not count toward it. Last evaluated 2025-10-01.

Conditions:
Hereditary cancer-predisposing syndrome. Also called: Neoplastic Syndromes, Hereditary; Tumor predisposition; Hereditary Cancer Syndrome; Hereditary neoplastic syndrome. Identifiers: Orphanet 140162, MedGen C0027672, MeSH D009386, MONDO:0015356.
Ataxia-telangiectasia syndrome (AT). Also called: ATAXIA-TELANGIECTASIA, COMPLEMENTATION GROUP A; ATAXIA-TELANGIECTASIA, FRESNO VARIANT; Ataxia-telangiectasia; Ataxia-telangiectasia, complementation group D; AT, COMPLEMENTATION GROUP C; Ataxia-telangiectasia, complementation group E. Identifiers: Orphanet 100, MedGen C0004135, MONDO:0008840, OMIM 208900.

gnomAD v4.1: 1 of 1,610,540 alleles (0.000062%); no homozygotes.

Submissions (6):

Labcorp Genetics (formerly Invitae), Labcorp
Classification: Uncertain significance for Ataxia-telangiectasia syndrome. Last evaluated: 2025-10-01. Review status: criteria provided, single submitter. Criteria: Invitae Variant Classification Sherloc (09022015). Collection method: clinical testing. Allele origin: germline.
Comment: This sequence change replaces cysteine, which is neutral and slightly polar, with tyrosine, which is neutral and polar, at codon 987 of the ATM protein (p.Cys987Tyr). This variant is not present in population databases (gnomAD no frequency). This variant has not been reported in the literature in individuals affected with ATM-related conditions. ClinVar contains an entry for this variant (Variation ID: 524310). Invitae Evidence Modeling of protein sequence and biophysical properties (such as structural, functional, and spatial information, amino acid conservation, physicochemical variation, residue mobility, and thermodynamic stability) indicates that this missense variant is expected to disrupt ATM protein function with a positive predictive value of 80%. In summary, the available evidence is currently insufficient to determine the role of this variant in disease. Therefore, it has been classified as a Variant of Uncertain Significance.

Center for Genomic Medicine, Rigshospitalet, Copenhagen University Hospital
Classification: Uncertain significance. Last evaluated: 2025-03-04. Review status: criteria provided, single submitter. Criteria: ACMG Guidelines, 2015. Collection method: clinical testing. Allele origin: germline.
Comment: Classification criteria: PP3

Ambry Genetics
Classification: Uncertain significance for Hereditary cancer-predisposing syndrome. Last evaluated: 2024-11-07. Review status: criteria provided, single submitter. Criteria: Ambry Variant Classification Scheme 2023. Collection method: clinical testing. Allele origin: germline.
Comment: The p.C987Y variant (also known as c.2960G>A), located in coding exon 19 of the ATM gene, results from a G to A substitution at nucleotide position 2960. The cysteine at codon 987 is replaced by tyrosine, an amino acid with highly dissimilar properties. This amino acid position is highly conserved in available vertebrate species. In addition, this alteration is predicted to be deleterious by in silico analysis. Based on the available evidence, the clinical significance of this variant remains unclear.

Women's Health and Genetics/Laboratory Corporation of America, LabCorp
Classification: Uncertain significance. Last evaluated: 2024-02-21. Review status: criteria provided, single submitter. Criteria: LabCorp Variant Classification Summary - May 2015. Collection method: clinical testing. Allele origin: germline.
Comment: Variant summary: ATM c.2960G>A (p.Cys987Tyr) results in a non-conservative amino acid change in the encoded protein sequence. Five of five in-silico tools predict a damaging effect of the variant on protein function. The variant was absent in 251326 control chromosomes. The available data on variant occurrences in the general population are insufficient to allow any conclusion about variant significance. To our knowledge, no occurrence of c.2960G>A in individuals affected with Ataxia-Telangiectasia and no experimental evidence demonstrating its impact on protein function have been reported. ClinVar contains an entry for this variant (Variation ID: 524310). Based on the evidence outlined above, the variant was classified as uncertain significance.

GeneDx
Classification: Uncertain significance. Last evaluated: 2022-02-21. Review status: criteria provided, single submitter. Criteria: GeneDx Variant Classification Process June 2021. Collection method: clinical testing. Allele origin: germline. Affected: yes.
Comment: Not observed at significant frequency in large population cohorts (gnomAD); In silico analysis supports that this missense variant has a deleterious effect on protein structure/function; Has not been previously published as pathogenic or benign to our knowledge

University of Washington Department of Laboratory Medicine, University of Washington
Classification: Likely pathogenic for Ataxia-telangiectasia syndrome. Last evaluated: 2021-06-25. Review status: no assertion criteria provided. Collection method: clinical testing. Allele origin: unknown. Affected: no. Not counted in ClinVar's aggregate classification.